The following is an entry in ClinVar:

ClinVar aggregate classification (germline): Uncertain significance. Review status: criteria provided, multiple submitters, no conflicts (2 of 4 stars). 2 submissions from 2 submitters: Uncertain significance (2). Last evaluated 2026-09-02.

Allele frequency attached by ClinVar (database versions not stated): gnomAD 0.00002; gnomAD exomes below 0.00001; TOPMed 0.00001.
gnomAD v4.1: 10 of 1,613,598 alleles (0.00062%); highest among the groups gnomAD compares: Middle Eastern, 0.016%; no homozygotes.

Submissions (2):

Ambry Genetics
Classification: Uncertain significance. Last evaluated: 2026-09-02. Review status: criteria provided, single submitter. Criteria: Ambry Variant Classification Scheme 2023. Collection method: clinical testing. Allele origin: germline.

Labcorp Genetics (formerly Invitae), Labcorp
Classification: Uncertain significance. Last evaluated: 2023-10-04. Review status: criteria provided, single submitter. Criteria: Invitae Variant Classification Sherloc (09022015). Collection method: clinical testing. Allele origin: germline.
Comment: This sequence change replaces glycine, which is neutral and non-polar, with aspartic acid, which is acidic and polar, at codon 1248 of the HMCN1 protein (p.Gly1248Asp). This variant is present in population databases (no rsID available, gnomAD 0.002%). This missense change has been observed in individual(s) with clinical features of HMCN1-related conditions (Invitae). An algorithm developed to predict the effect of missense changes on protein structure and function (PolyPhen-2) suggests that this variant is likely to be disruptive. In summary, the available evidence is currently insufficient to determine the role of this variant in disease. Therefore, it has been classified as a Variant of Uncertain Significance.

NM_031935.3(HMCN1):c.3743G>A (p.Gly1248Asp)

Gene: HMCN1 (hemicentin 1; plus strand). Cytogenetic location: 1q31.1.
Variant type: single nucleotide variant.
Coding change: c.3743G>A on transcript NM_031935.3 (MANE Select); coding-DNA position 3743, G replaced by A.
Protein change: p.Gly1248Asp; replaces glycine 1248 with aspartic acid.
Molecular consequence: missense variant.
Genome position (GRCh38, 1-based): chr1:185,995,052, G>A. VCF-style: chr1-185995052-G-A. GRCh37 (hg19) VCF-style: chr1-185964184-G-A.
Other names: c.3743G>A (NM_031935.2); short protein forms G1248D.
Identifiers: ClinVar variation 2762529 (VCV002762529.4), dbSNP rs1480134370, ClinGen allele CA343871949.